The following is an entry in ClinVar:

NM_000693.4(ALDH1A3):c.709G>A (p.Gly237Arg)

Genes: ALDH1A3 (aldehyde dehydrogenase 1 family member A3; plus strand), ALDH1A3-AS1 (ALDH1A3 antisense RNA 1; minus strand). Cytogenetic location: 15q26.3.
Variant type: single nucleotide variant.
Coding change: c.709G>A on transcript NM_000693.4 (MANE Select); coding-DNA position 709, G replaced by A.
Protein change: p.Gly237Arg; replaces glycine 237 with arginine.
Molecular consequence: missense variant. On other transcripts: non-coding transcript variant (1).
Genome position (GRCh38, 1-based): chr15:100,895,975, G>A. VCF-style: chr15-100895975-G-A. GRCh37 (hg19) VCF-style: chr15-101436180-G-A.
Other names: c.388G>A, p.Gly130Arg (NM_001293815.2); short protein forms G130R, G237R.
Identifiers: ClinVar variation 978215 (VCV000978215.2), dbSNP rs1164081840, ClinGen allele CA393942340.

ClinVar aggregate classification (germline): Pathogenic (1 of 4 stars; one submission).

Conditions:
Isolated anophthalmia-microphthalmia syndrome. Identifiers: Orphanet 2542, MedGen C5679828, MONDO:0016764.

Allele frequency attached by ClinVar (database versions not stated): gnomAD exomes 0.00001; TOPMed below 0.00001.
gnomAD v4.1: 7 of 1,613,716 alleles (0.00043%); highest among the groups gnomAD compares: East Asian, 0.0022%; no homozygotes.

Submission:

Medical Genetics Laboratory, West China Hospital, Sichuan University
Classification: Pathogenic for Isolated anophthalmia-microphthalmia syndrome. Review status: criteria provided, single submitter. Criteria: ACMG Guidelines, 2015. Collection method: in vitro. Allele origin: not applicable. Inheritance: Autosomal recessive inheritance.
Comment: In vitro expression showed that both mutations decreased the protein production and impaired the protein tetramer formation.